The following is an entry in ClinVar:

ClinVar aggregate classification (germline): Uncertain significance. Review status: criteria provided, multiple submitters, no conflicts (2 of 4 stars). 5 submissions from 3 submitters: Uncertain significance (5). Last evaluated 2023-12-04.

Conditions:
Aplastic anemia. Identifiers: Orphanet 182040, Orphanet 88, MedGen C0002874, MONDO:0015909, OMIM 609135, HP:0001915.
Dyskeratosis congenita, autosomal dominant 2. Identifiers: MedGen C3151443, MONDO:0013521, OMIM 613989.
Idiopathic Pulmonary Fibrosis. Also called: Idiopathic fibrosing alveolitis, chronic form; idiopathic fibrosing alveolitis. Identifiers: Orphanet 2032, MedGen C1800706, MeSH D054990, MONDO:0800504.
Pulmonary fibrosis and/or bone marrow failure, Telomere-related, 1. Also called: PULMONARY FIBROSIS AND/OR BONE MARROW FAILURE SYNDROME, TELOMERE-RELATED, 1. Identifiers: Orphanet 88, MedGen C3553617, MONDO:0013878, OMIM 614742.
Dyskeratosis congenita. Identifiers: Orphanet 1775, MedGen C0265965, MONDO:0015780.

Submissions (5):

Ambry Genetics
Classification: Uncertain significance for Dyskeratosis congenita. Last evaluated: 2023-12-04. Review status: criteria provided, single submitter. Criteria: Ambry Variant Classification Scheme 2023. Collection method: clinical testing. Allele origin: germline.
Comment: The p.P1064L variant (also known as c.3191C>T), located in coding exon 15 of the TERT gene, results from a C to T substitution at nucleotide position 3191. The proline at codon 1064 is replaced by leucine, an amino acid with similar properties. This amino acid position is conserved. In addition, this alteration is predicted to be tolerated by in silico analysis. Since supporting evidence is limited at this time, the clinical significance of this alteration remains unclear.

Labcorp Genetics (formerly Invitae), Labcorp
Classification: Uncertain significance for Dyskeratosis congenita, autosomal dominant 2; Idiopathic Pulmonary Fibrosis. Last evaluated: 2022-06-19. Review status: criteria provided, single submitter. Criteria: Invitae Variant Classification Sherloc (09022015). Collection method: clinical testing. Allele origin: germline.
Comment: In summary, the available evidence is currently insufficient to determine the role of this variant in disease. Therefore, it has been classified as a Variant of Uncertain Significance. Advanced modeling of protein sequence and biophysical properties (such as structural, functional, and spatial information, amino acid conservation, physicochemical variation, residue mobility, and thermodynamic stability) performed at Invitae indicates that this missense variant is not expected to disrupt TERT protein function. ClinVar contains an entry for this variant (Variation ID: 350517). This variant has not been reported in the literature in individuals affected with TERT-related conditions. This variant is not present in population databases (gnomAD no frequency). This sequence change replaces proline, which is neutral and non-polar, with leucine, which is neutral and non-polar, at codon 1064 of the TERT protein (p.Pro1064Leu).

Illumina Laboratory Services, Illumina
Classification: Uncertain significance for Dyskeratosis congenita, autosomal dominant 2. Last evaluated: 2018-01-13. Review status: criteria provided, single submitter. Criteria: ICSL Variant Classification Criteria 13 December 2019. Collection method: clinical testing. Allele origin: germline.

Illumina Laboratory Services, Illumina
Classification: Uncertain significance for Pulmonary fibrosis and/or bone marrow failure, Telomere-related, 1. Last evaluated: 2018-01-13. Review status: criteria provided, single submitter. Criteria: ICSL Variant Classification Criteria 13 December 2019. Collection method: clinical testing. Allele origin: germline.

Illumina Laboratory Services, Illumina
Classification: Uncertain significance for Aplastic anemia. Last evaluated: 2018-01-13. Review status: criteria provided, single submitter. Criteria: ICSL Variant Classification Criteria 13 December 2019. Collection method: clinical testing. Allele origin: germline.

NM_198253.3(TERT):c.3191C>T (p.Pro1064Leu)

Gene: TERT (telomerase reverse transcriptase; minus strand). Cytogenetic location: 5p15.33.
Variant type: single nucleotide variant.
Coding change: c.3191C>T on transcript NM_198253.3 (MANE Select); coding-DNA position 3191, C replaced by T.
Protein change: p.Pro1064Leu; replaces proline 1064 with leucine.
Molecular consequence: missense variant. On other transcripts: non-coding transcript variant (2).
Genome position (GRCh38, 1-based): chr5:1,254,472, G>A on the plus strand (C>T on the coding strand, the complement: TERT is on the minus strand). VCF-style: chr5-1254472-G-A. GRCh37 (hg19) VCF-style: chr5-1254587-G-A.
Other names: c.3002C>T, p.Pro1001Leu (NM_001193376.3); short protein forms P1064L, P1001L.
Identifiers: ClinVar variation 350517 (VCV000350517.12), dbSNP rs886059831, ClinGen allele CA10622366.
Genomic context (GRCh38, chr5:1,254,472, plus strand): 5'-CGAGTCAGCTTGAGCAGGAATGCTTGGTGGCACAGCCACTGCACGGCCTCGGAGGGCAGA[G>A]GGCCGGCGGCGCCCTTGGCCCCCAGCGACATCCCTGGGGGAAAACAGAGGCTGAGGAGTC-3'
Protein context (NP_937983.2, residues 1054-1074): MSLGAKGAAG[Pro1064Leu]LPSEAVQWLC